The following is an entry in ClinVar:

ClinVar aggregate classification (germline): Uncertain significance (1 of 4 stars; one submission).

Submission:

Labcorp Genetics (formerly Invitae), Labcorp
Classification: Uncertain significance. Last evaluated: 2023-10-17. Review status: criteria provided, single submitter. Criteria: Invitae Variant Classification Sherloc (09022015). Collection method: clinical testing. Allele origin: germline.
Comment: This sequence change replaces lysine, which is basic and polar, with arginine, which is basic and polar, at codon 1546 of the SETBP1 protein (p.Lys1546Arg). This variant is not present in population databases (gnomAD no frequency). This variant has not been reported in the literature in individuals affected with SETBP1-related conditions. Advanced modeling of protein sequence and biophysical properties (such as structural, functional, and spatial information, amino acid conservation, physicochemical variation, residue mobility, and thermodynamic stability) performed at Invitae indicates that this missense variant is not expected to disrupt SETBP1 protein function. In summary, the available evidence is currently insufficient to determine the role of this variant in disease. Therefore, it has been classified as a Variant of Uncertain Significance.

NM_015559.3(SETBP1):c.4637A>G (p.Lys1546Arg)

Gene: SETBP1 (SET binding protein 1; plus strand). Cytogenetic location: 18q12.3.
Variant type: single nucleotide variant.
Coding change: c.4637A>G on transcript NM_015559.3 (MANE Select); coding-DNA position 4637, A replaced by G.
Protein change: p.Lys1546Arg; replaces lysine 1546 with arginine.
Molecular consequence: missense variant.
Genome position (GRCh38, 1-based): chr18:45,063,544, A>G. VCF-style: chr18-45063544-A-G. GRCh37 (hg19) VCF-style: chr18-42643509-A-G.
Other names: c.4637A>G, p.Lys1546Arg (NM_001379141.1, NM_001379142.1); c.4466A>G, p.Lys1489Arg (NM_001410862.1); short protein forms K1489R, K1546R.
Identifiers: ClinVar variation 2859950 (VCV002859950.3), dbSNP rs2511370748, ClinGen allele CA402483827.